The following is an entry in ClinVar:

ClinVar aggregate classification (germline): Benign/Likely benign. Review status: criteria provided, multiple submitters, no conflicts (2 of 4 stars). 15 submissions from 12 submitters: Benign (8); Likely benign (7). Last evaluated 2026-10-01.

Conditions:
Cardiovascular phenotype. Identifiers: MedGen CN230736.
Autosomal recessive limb-girdle muscular dystrophy type 2J (LGMDR10). Also called: Limb-girdle muscular dystrophy, type 2J; MUSCULAR DYSTROPHY, LIMB-GIRDLE, AUTOSOMAL RECESSIVE 10. Identifiers: Orphanet 140922, MedGen C1837342, MONDO:0012127, OMIM 608807.
Dilated cardiomyopathy 1G (CMD1G). Identifiers: Orphanet 154, MedGen C1858763, MONDO:0011400, OMIM 604145.
Tibial muscular dystrophy (TMD). Also called: Udd Distal Myopathy – Tibial Muscular Dystrophy; UDD MYOPATHY; Tibial muscular dystrophy, tardive. Identifiers: Orphanet 609, MedGen C1838244, MONDO:0010870, OMIM 600334.
Early-onset myopathy with fatal cardiomyopathy (CMYO5). Also called: Salih Myopathy; CONGENITAL MYOPATHY 5 WITH CARDIOMYOPATHY. Identifiers: Orphanet 289377, MedGen C2673677, MONDO:0012714, OMIM 611705. Disease mechanism: loss of function.
Myopathy, myofibrillar, 9, with early respiratory failure (MFM9). Also called: Myopathy, distal, with early respiratory failure, autosomal dominant; EDSTROM MYOPATHY; MYOPATHY, PROXIMAL, WITH EARLY RESPIRATORY MUSCLE INVOLVEMENT; Hereditary myopathy with early respiratory failure. Identifiers: Orphanet 178464, Orphanet 34521, MedGen C1863599, MONDO:0011362, OMIM 603689.

Allele frequency attached by ClinVar (database versions not stated): gnomAD 0.00034 and 0.00036; ExAC 0.00056; gnomAD exomes 0.00071; TOPMed 0.00105; 1000 Genomes Project 0.00140; 1000 Genomes Project 30x 0.00141; ESP Exome Variant Server 0.00008.
gnomAD v4.1: 295 of 1,611,550 alleles (0.018%); highest among the groups gnomAD compares: Admixed American, 0.46%; 1 homozygote.

Submissions (15):

CeGaT Center for Human Genetics Tuebingen
Classification: Likely benign. Last evaluated: 2026-10-01. Review status: criteria provided, single submitter. Criteria: CeGaT Center For Human Genetics Tuebingen Variant Classification Criteria Version 2. Collection method: clinical testing. Allele origin: germline. Affected: yes. Observed: 4 variant alleles.
Comment: TTN: BP4, BP7

Labcorp Genetics (formerly Invitae), Labcorp
Classification: Benign for Dilated cardiomyopathy 1G; Autosomal recessive limb-girdle muscular dystrophy type 2J. Last evaluated: 2026-01-26. Review status: criteria provided, single submitter. Criteria: Invitae Variant Classification Sherloc (09022015). Collection method: clinical testing. Allele origin: germline.

Athena Diagnostics
Classification: Benign. Last evaluated: 2025-02-05. Review status: criteria provided, single submitter. Criteria: Athena Diagnostics Criteria. Collection method: clinical testing. Allele origin: unknown.
Comment: The frequency of this variant in the general population is higher than would generally be expected for pathogenic variants in this gene. Computational tools yielded predictions that this variant is unlikely to have an effect on normal RNA splicing. This nucleotide position exhibits low evolutionary conservation.

Mayo Clinic Laboratories, Mayo Clinic
Classification: Likely benign. Last evaluated: 2024-11-13. Review status: criteria provided, single submitter. Criteria: ACMG Guidelines, 2015. Collection method: clinical testing. Allele origin: germline. Observed: 2 variant alleles.
Comment: BS1, BP4, BP7

Blueprint Genetics
Classification: Likely benign. Last evaluated: 2024-10-18. Review status: criteria provided, single submitter. Criteria: ACMG Guidelines, 2015. Collection method: clinical testing. Allele origin: germline.

ARUP Laboratories, Molecular Genetics and Genomics, ARUP Laboratories
Classification: Benign. Last evaluated: 2023-09-11. Review status: criteria provided, single submitter. Criteria: ARUP Molecular Germline Variant Investigation Process 2024. Collection method: clinical testing. Allele origin: germline.

Genome-Nilou Lab
Classification: Benign for Autosomal recessive limb-girdle muscular dystrophy type 2J. Last evaluated: 2021-09-10. Review status: criteria provided, single submitter. Criteria: ACMG Guidelines, 2015. Collection method: clinical testing. Allele origin: germline. Affected: no.

Genome-Nilou Lab
Classification: Benign for Myopathy, myofibrillar, 9, with early respiratory failure. Last evaluated: 2021-09-10. Review status: criteria provided, single submitter. Criteria: ACMG Guidelines, 2015. Collection method: clinical testing. Allele origin: germline. Affected: no.

Genome-Nilou Lab
Classification: Benign for Early-onset myopathy with fatal cardiomyopathy. Last evaluated: 2021-09-10. Review status: criteria provided, single submitter. Criteria: ACMG Guidelines, 2015. Collection method: clinical testing. Allele origin: germline. Affected: no.

Genome-Nilou Lab
Classification: Benign for Tibial muscular dystrophy. Last evaluated: 2021-09-10. Review status: criteria provided, single submitter. Criteria: ACMG Guidelines, 2015. Collection method: clinical testing. Allele origin: germline. Affected: no.

Women's Health and Genetics/Laboratory Corporation of America, LabCorp
Classification: Benign. Last evaluated: 2021-05-23. Review status: criteria provided, single submitter. Criteria: LabCorp Variant Classification Summary - May 2015. Collection method: clinical testing. Allele origin: germline.

GeneDx
Classification: Likely benign. Last evaluated: 2021-05-20. Review status: criteria provided, single submitter. Criteria: GeneDx Variant Classification Process June 2021. Collection method: clinical testing. Allele origin: germline. Affected: yes.

Ambry Genetics
Classification: Likely benign for Cardiovascular phenotype. Last evaluated: 2020-01-07. Review status: criteria provided, single submitter. Criteria: Ambry Variant Classification Scheme 2023. Collection method: clinical testing. Allele origin: germline.

Eurofins Ntd Llc (ga)
Classification: Likely benign. Last evaluated: 2016-11-29. Review status: criteria provided, single submitter. Criteria: EGL Classification Definitions 2015. Collection method: clinical testing. Allele origin: germline. Observed: 2 variant alleles, 2 heterozygotes.

Laboratory for Molecular Medicine, Mass General Brigham Personalized Medicine
Classification: Likely benign. Last evaluated: 2012-03-19. Review status: criteria provided, single submitter. Criteria: LMM Criteria. Collection method: clinical testing. Allele origin: germline. Observed: 1 variant allele.
Comment: p.Pro15915Pro in Exon 236 of TTN: This variant is not expected to have clinical significance because it does not alter an amino acid residue, is not located wit hin the splice consensus sequence. It has been identified in 1/3080 African Amer ican chromosomes from a broad population by the NHLBI Exome Sequencing Project.

NM_001267550.2(TTN):c.55449C>T (p.Pro18483=)

Genes: TTN-AS1 (TTN antisense RNA 1; plus strand), TTN (titin; minus strand). Cytogenetic location: 2q31.2.
Variant type: single nucleotide variant.
Coding change: c.55449C>T on transcript NM_001267550.2 (MANE Select); coding-DNA position 55449, C replaced by T.
Protein change: p.Pro18483=; no amino-acid change (proline 18483 retained).
Molecular consequence: synonymous variant.
Genome position (GRCh38, 1-based): chr2:178,601,548, G>A on the plus strand (C>T on the coding strand, the complement: TTN is on the minus strand). VCF-style: chr2-178601548-G-A. GRCh37 (hg19) VCF-style: chr2-179466275-G-A.
Other names: p.Pro16842=; c.50526C>T, p.Pro16842= (NM_001256850.1); c.28254C>T, p.Pro9418= (NM_003319.4); c.47745C>T, p.Pro15915= (NM_133378.4); c.28629C>T, p.Pro9543= (NM_133432.3); c.28830C>T, p.Pro9610= (NM_133437.4).
Identifiers: ClinVar variation 167778 (VCV000167778.42), dbSNP rs187366691, ClinGen allele CA235099.